The following is an entry in ClinVar:

ClinVar aggregate classification (germline): Pathogenic (1 of 4 stars; one submission).

Submission:

Labcorp Genetics (formerly Invitae), Labcorp
Classification: Pathogenic. Last evaluated: 2023-01-24. Review status: criteria provided, single submitter. Criteria: Invitae Variant Classification Sherloc (09022015). Collection method: clinical testing. Allele origin: unknown.
Comment: For these reasons, this variant has been classified as Pathogenic. This variant has not been reported in the literature in individuals affected with MYO6-related conditions. This variant is a gross deletion of the genomic region encompassing exon(s) 14 of the MYO6 gene. This deletion is out-of-frame, and is expected to create a premature termination codon and result in an absent or disrupted protein product. Loss-of-function variants in MYO6 are known to be pathogenic (PMID: 12687499, 18348273, 23767834, 25999546, 30582396).

Literature cited by the submitters: PubMed 12687499; PubMed 18348273; PubMed 23767834; PubMed 25999546; PubMed 30582396.

NC_000006.11:g.(?_76568599)_(76568730_?)del

Gene: MYO6 (myosin VI; plus strand). Cytogenetic location: 6q14.1.
Variant type: Deletion.
Identifiers: ClinVar variation 3246186 (VCV003246186.1).